The following is an entry in ClinVar:

ClinVar aggregate classification (germline): Uncertain significance. Review status: criteria provided, multiple submitters, no conflicts (2 of 4 stars). 4 submissions from 4 submitters: Uncertain significance (3). 1 of the submissions does not count toward it. Last evaluated 2025-04-12.

Conditions:
NEB-related disorder. Also called: NEB-related condition; NEB-Related Disorders.
Inborn genetic diseases. Identifiers: MedGen C0950123, MeSH D030342.
Nemaline myopathy 2 (NEM2). Also called: Nemaline myopathy 2, autosomal recessive. Identifiers: MedGen C1850569, MONDO:0009725, OMIM 256030.

Allele frequency attached by ClinVar (database versions not stated): gnomAD exomes 0.00001; TOPMed 0.00001; gnomAD 0.00002; ESP Exome Variant Server 0.00008; ExAC 0.00001.
gnomAD v4.1: 20 of 1,613,784 alleles (0.0012%); highest among the groups gnomAD compares: East Asian, 0.0067%; no homozygotes.

Submissions (4):

Ambry Genetics
Classification: Uncertain significance for Inborn genetic diseases. Last evaluated: 2025-04-12. Review status: criteria provided, single submitter. Criteria: Ambry Variant Classification Scheme 2023. Collection method: clinical testing. Allele origin: germline.

GeneDx
Classification: Uncertain significance. Last evaluated: 2024-11-11. Review status: criteria provided, single submitter. Criteria: GeneDx Variant Classification Process June 2021. Collection method: clinical testing. Allele origin: germline. Affected: yes.
Comment: In silico analysis supports that this missense variant has a deleterious effect on protein structure/function; Has not been previously published as pathogenic or benign to our knowledge

Labcorp Genetics (formerly Invitae), Labcorp
Classification: Uncertain significance for Nemaline myopathy 2. Last evaluated: 2022-08-15. Review status: criteria provided, single submitter. Criteria: Invitae Variant Classification Sherloc (09022015). Collection method: clinical testing. Allele origin: germline.
Comment: This sequence change replaces arginine, which is basic and polar, with histidine, which is basic and polar, at codon 3420 of the NEB protein (p.Arg3420His). This variant is present in population databases (rs373385805, gnomAD 0.02%). This variant has not been reported in the literature in individuals affected with NEB-related conditions. Algorithms developed to predict the effect of missense changes on protein structure and function are either unavailable or do not agree on the potential impact of this missense change (SIFT: "Deleterious"; PolyPhen-2: "Not Available"; Align-GVGD: "Class C0"). In summary, the available evidence is currently insufficient to determine the role of this variant in disease. Therefore, it has been classified as a Variant of Uncertain Significance.

PreventionGenetics, part of Exact Sciences
Classification: Uncertain significance for NEB-related condition. Last evaluated: 2024-07-05. Review status: no assertion criteria provided. Collection method: clinical testing. Allele origin: germline. Not counted in ClinVar's aggregate classification.
Comment: The NEB c.10259G>A variant is predicted to result in the amino acid substitution p.Arg3420His. To our knowledge, this variant has not been reported in the literature. This variant is reported in 0.017% of alleles in individuals of East Asian descent in gnomAD. At this time, the clinical significance of this variant is uncertain due to the absence of conclusive functional and genetic evidence.

NM_001164508.2(NEB):c.10259G>A (p.Arg3420His)

Gene: NEB (nebulin; minus strand). Cytogenetic location: 2q23.3.
Variant type: single nucleotide variant.
Coding change: c.10259G>A on transcript NM_001164508.2 (MANE Select); coding-DNA position 10259, G replaced by A.
Protein change: p.Arg3420His; replaces arginine 3420 with histidine.
Molecular consequence: missense variant.
Genome position (GRCh38, 1-based): chr2:151,627,090, C>T on the plus strand (G>A on the coding strand, the complement: NEB is on the minus strand). VCF-style: chr2-151627090-C-T. GRCh37 (hg19) VCF-style: chr2-152483604-C-T.
Other names: c.10259G>A, p.Arg3420His (NM_001164507.2, NM_001271208.2); c.9530G>A, p.Arg3177His (NM_004543.5); c.9530G>A (NM_004543.4); short protein forms R3177H, R3420H.
Identifiers: ClinVar variation 1988219 (VCV001988219.4), dbSNP rs373385805, ClinGen allele CA1909084.